The following is an entry in ClinVar:

ClinVar aggregate classification (germline): Benign/Likely benign. Review status: criteria provided, multiple submitters, no conflicts (2 of 4 stars). 4 submissions from 4 submitters: Benign (1); Likely benign (3). Last evaluated 2026-04-27.

Conditions:
ADGRV1-related disorder. Also called: ADGRV1-related disorders; ADGRV1-related condition.

Allele frequency attached by ClinVar (database versions not stated): TOPMed 0.00001; gnomAD 0.00008; gnomAD exomes 0.00013 and 0.00035; ExAC 0.00066; 1000 Genomes Project 0.00080; 1000 Genomes Project 30x 0.00094.
gnomAD v4.1: 194 of 1,525,498 alleles (0.013%); highest among the groups gnomAD compares: South Asian, 0.21%; 2 homozygotes.

Submissions (4):

PreventionGenetics, part of Exact Sciences
Classification: Likely benign for ADGRV1-related condition. Last evaluated: 2026-04-27. Review status: criteria provided, single submitter. Criteria: ACMG Guidelines, 2015. Collection method: clinical testing. Allele origin: germline.
Comment: This variant is classified as likely benign based on ACMG/AMP sequence variant interpretation guidelines (Richards et al. 2015 PMID: 25741868, with internal and published modifications).

CeGaT Center for Human Genetics Tuebingen
Classification: Likely benign. Last evaluated: 2026-02-01. Review status: criteria provided, single submitter. Criteria: CeGaT Center For Human Genetics Tuebingen Variant Classification Criteria Version 2. Collection method: clinical testing. Allele origin: germline. Affected: yes. Observed: 1 variant allele.
Comment: ADGRV1: BP4, BP7

Labcorp Genetics (formerly Invitae), Labcorp
Classification: Benign. Last evaluated: 2026-01-28. Review status: criteria provided, single submitter. Criteria: Invitae Variant Classification Sherloc (09022015). Collection method: clinical testing. Allele origin: germline.

Blueprint Genetics
Classification: Likely benign. Last evaluated: 2024-07-02. Review status: criteria provided, single submitter. Criteria: ACMG Guidelines, 2015. Collection method: clinical testing. Allele origin: germline.

NM_032119.4(ADGRV1):c.6700T>C (p.Leu2234=)

Gene: ADGRV1 (adhesion G protein-coupled receptor V1; plus strand). Cytogenetic location: 5q14.3.
Variant type: single nucleotide variant.
Coding change: c.6700T>C on transcript NM_032119.4 (MANE Select); coding-DNA position 6700, T replaced by C.
Protein change: p.Leu2234=; no amino-acid change (leucine 2234 retained).
Molecular consequence: synonymous variant. On other transcripts: non-coding transcript variant (1).
Genome position (GRCh38, 1-based): chr5:90,690,070, T>C. VCF-style: chr5-90690070-T-C. GRCh37 (hg19) VCF-style: chr5-89985887-T-C.
Other names: c.6700T>C (NM_032119.3).
Identifiers: ClinVar variation 1164845 (VCV001164845.15), dbSNP rs546385937, ClinGen allele CA3339849.